The following is an entry in ClinVar:

NM_000257.4(MYH7):c.634G>A (p.Gly212Ser)

Gene: MYH7 (myosin heavy chain 7; minus strand). Cytogenetic location: 14q11.2.
Variant type: single nucleotide variant.
Coding change: c.634G>A on transcript NM_000257.4 (MANE Select); coding-DNA position 634, G replaced by A.
Protein change: p.Gly212Ser; replaces glycine 212 with serine.
Molecular consequence: missense variant.
Genome position (GRCh38, 1-based): chr14:23,431,766, C>T on the plus strand (G>A on the coding strand, the complement: MYH7 is on the minus strand). VCF-style: chr14-23431766-C-T. GRCh37 (hg19) VCF-style: chr14-23900975-C-T.
Other names: short protein forms G212S.
Identifiers: ClinVar variation 835842 (VCV000835842.9), dbSNP rs1244877100, ClinGen allele CA389052377.

ClinVar aggregate classification (germline): Uncertain significance (1 of 4 stars; one submission).

Conditions:
Hypertrophic cardiomyopathy. Also called: HYPERTROPHIC MYOCARDIOPATHY. Identifiers: Orphanet 217569, MedGen C0007194, MeSH D002312, MONDO:0005045, HP:0001639.

Allele frequency attached by ClinVar (database versions not stated): gnomAD exomes below 0.00001.
gnomAD v4.1: 2 of 1,614,252 alleles (0.00012%); highest among the groups gnomAD compares: Non-Finnish European, 0.00017%; no homozygotes.

Submission:

Labcorp Genetics (formerly Invitae), Labcorp
Classification: Uncertain significance for Hypertrophic cardiomyopathy. Last evaluated: 2025-03-16. Review status: criteria provided, single submitter. Criteria: Invitae Variant Classification Sherloc (09022015). Collection method: clinical testing. Allele origin: germline.
Comment: This sequence change replaces glycine, which is neutral and non-polar, with serine, which is neutral and polar, at codon 212 of the MYH7 protein (p.Gly212Ser). This variant is present in population databases (no rsID available, gnomAD 0.0009%). This variant has not been reported in the literature in individuals affected with MYH7-related conditions. ClinVar contains an entry for this variant (Variation ID: 835842). Invitae Evidence Modeling of protein sequence and biophysical properties (such as structural, functional, and spatial information, amino acid conservation, physicochemical variation, residue mobility, and thermodynamic stability) indicates that this missense variant is not expected to disrupt MYH7 protein function with a negative predictive value of 95%. This variant is found within a region of MYH7 between codons 181 and 937 that contains the majority of the myosin head domain. Missense variants in this region have been shown to be significantly overrepresented in individuals with hypertrophic cardiomyopathy (PMID: 27532257). In summary, the available evidence is currently insufficient to determine the role of this variant in disease. Therefore, it has been classified as a Variant of Uncertain Significance.

Literature cited by the submitters: PubMed 27532257.